The following is an entry in ClinVar:

ClinVar aggregate classification (germline): Uncertain significance. Review status: criteria provided, single submitter (1 of 4 stars). 2 submissions from 2 submitters: Uncertain significance (1). 1 of the submissions does not count toward it. Last evaluated 2025-12-31.

Conditions:
Immunoskeletal dysplasia with neurodevelopmental abnormalities (ISDNA). Identifiers: MedGen C4479452, MONDO:0044312, OMIM 617425.

Allele frequency attached by ClinVar (database versions not stated): gnomAD exomes below 0.00001 and 0.00001; ExAC 0.00002; gnomAD 0.00002 and 0.00003; TOPMed 0.00002; 1000 Genomes Project 30x 0.00016; 1000 Genomes Project 0.00020.
gnomAD v4.1: 10 of 1,614,176 alleles (0.00062%); highest among the groups gnomAD compares: Admixed American, 0.0083%; no homozygotes.

Submissions (2):

Labcorp Genetics (formerly Invitae), Labcorp
Classification: Uncertain significance. Last evaluated: 2025-12-31. Review status: criteria provided, single submitter. Criteria: Invitae Variant Classification Sherloc (09022015). Collection method: clinical testing. Allele origin: germline.
Comment: This sequence change replaces proline, which is neutral and non-polar, with leucine, which is neutral and non-polar, at codon 461 of the EXTL3 protein (p.Pro461Leu). This variant is present in population databases (rs554294508, gnomAD 0.006%). This missense change has been observed in individual(s) with clinical features of EXTL3 deficiency (PMID: 28132690, 28148688). ClinVar contains an entry for this variant (Variation ID: 417794). Invitae Evidence Modeling of protein sequence and biophysical properties (such as structural, functional, and spatial information, amino acid conservation, physicochemical variation, residue mobility, and thermodynamic stability) has been performed for this missense variant. However, the output from this modeling did not meet the statistical confidence thresholds required to predict the impact of this variant on EXTL3 protein function. In summary, the available evidence is currently insufficient to determine the role of this variant in disease. Therefore, it has been classified as a Variant of Uncertain Significance.

OMIM
Classification: Pathogenic for IMMUNOSKELETAL DYSPLASIA WITH NEURODEVELOPMENTAL ABNORMALITIES. Last evaluated: 2017-04-05. Review status: no assertion criteria provided. Collection method: literature only. Allele origin: germline. Not counted in ClinVar's aggregate classification.

Literature cited by the submitters: PubMed 28132690 (cited by Labcorp Genetics (formerly Invitae), Labcorp and OMIM); PubMed 28148688 (cited by Labcorp Genetics (formerly Invitae), Labcorp and OMIM).

NM_001440.4(EXTL3):c.1382C>T (p.Pro461Leu)

Gene: EXTL3 (exostosin like glycosyltransferase 3; plus strand). Cytogenetic location: 8p21.1.
Variant type: single nucleotide variant.
Coding change: c.1382C>T on transcript NM_001440.4 (MANE Select); coding-DNA position 1382, C replaced by T.
Protein change: p.Pro461Leu; replaces proline 461 with leucine.
Molecular consequence: missense variant.
Genome position (GRCh38, 1-based): chr8:28,717,441, C>T. VCF-style: chr8-28717441-C-T. GRCh37 (hg19) VCF-style: chr8-28574958-C-T.
Other names: short protein forms P461L.
Identifiers: ClinVar variation 417794 (VCV000417794.2), dbSNP rs554294508, ClinGen allele CA4696202.